The following is an entry in ClinVar:

NM_001130438.3(SPTAN1):c.5960A>T (p.Asn1987Ile)

Gene: SPTAN1 (spectrin alpha, non-erythrocytic 1; plus strand). Cytogenetic location: 9q34.11.
Variant type: single nucleotide variant.
Coding change: c.5960A>T on transcript NM_001130438.3 (MANE Select); coding-DNA position 5960, A replaced by T.
Protein change: p.Asn1987Ile; replaces asparagine 1987 with isoleucine.
Molecular consequence: missense variant.
Genome position (GRCh38, 1-based): chr9:128,624,455, A>T. VCF-style: chr9-128624455-A-T. GRCh37 (hg19) VCF-style: chr9-131386734-A-T.
Other names: c.5885A>T, p.Asn1962Ile (NM_001195532.2); c.5960A>T, p.Asn1987Ile (NM_001363759.2, NM_001375310.1, NM_001375311.2 and 1 more transcripts); c.5900A>T, p.Asn1967Ile (NM_001363765.2, NM_001375314.2); c.5996A>T, p.Asn1999Ile (NM_001375312.2, NM_001375318.1); c.5945A>T, p.Asn1982Ile (NM_003127.4); short protein forms N1967I, N1987I, N1962I, N1982I, N1999I.
Identifiers: ClinVar variation 961369 (VCV000961369.10), dbSNP rs768166158, ClinGen allele CA375083143.

ClinVar aggregate classification (germline): Uncertain significance (1 of 4 stars; one submission).

Conditions:
Early-infantile DEE. Also called: Ohtahara syndrome; Early infantile epileptic encephalopathy with suppression bursts; Early infantile epileptic encephalopathy. Identifiers: Orphanet 1934, MedGen C0393706, MONDO:0800491.

Submission:

Labcorp Genetics (formerly Invitae), Labcorp
Classification: Uncertain significance for Early-infantile DEE. Last evaluated: 2019-10-04. Review status: criteria provided, single submitter. Criteria: Invitae Variant Classification Sherloc (09022015). Collection method: clinical testing. Allele origin: germline.
Comment: Algorithms developed to predict the effect of missense changes on protein structure and function (SIFT, PolyPhen-2, Align-GVGD) all suggest that this variant is likely to be tolerated, but these predictions have not been confirmed by published functional studies and their clinical significance is uncertain. This sequence change replaces asparagine with isoleucine at codon 1987 of the SPTAN1 protein (p.Asn1987Ile). The asparagine residue is highly conserved and there is a large physicochemical difference between asparagine and isoleucine. This variant is not present in population databases (ExAC no frequency). This variant has not been reported in the literature in individuals with SPTAN1-related conditions. In summary, the available evidence is currently insufficient to determine the role of this variant in disease. Therefore, it has been classified as a Variant of Uncertain Significance.